The following is an entry in ClinVar:

NM_000489.6(ATRX):c.1290A>T (p.Lys430Asn)

Gene: ATRX (ATRX chromatin remodeler; minus strand). Cytogenetic location: Xq21.1.
Variant type: single nucleotide variant.
Coding change: c.1290A>T on transcript NM_000489.6 (MANE Select); coding-DNA position 1290, A replaced by T.
Protein change: p.Lys430Asn; replaces lysine 430 with asparagine.
Molecular consequence: missense variant.
Genome position (GRCh38, 1-based): chrX:77,683,966, T>A on the plus strand (A>T on the coding strand, the complement: ATRX is on the minus strand). VCF-style: chrX-77683966-T-A. GRCh37 (hg19) VCF-style: chrX-76939458-T-A.
Other names: c.1176A>T, p.Lys392Asn (NM_138270.5); short protein forms K430N, K392N.
Identifiers: ClinVar variation 2826166 (VCV002826166.3), dbSNP rs1569539312, ClinGen allele CA413718710.

ClinVar aggregate classification (germline): Uncertain significance (1 of 4 stars; one submission).

Conditions:
Alpha thalassemia-X-linked intellectual disability syndrome (ATRX). Also called: ALPHA-THALASSEMIA/MENTAL RETARDATION SYNDROME, X-LINKED; ATR, NONDELETION TYPE; ATR-X syndrome; Alpha thalassemia mental retardation syndrome, nondeletion type, X-linked; XLMR hypotonic face syndrome; X-linked alpha-thalassemia-mental retardation syndrome. Identifiers: Orphanet 847, MedGen C1845055, MONDO:0010519, OMIM 301040.

Submission:

Labcorp Genetics (formerly Invitae), Labcorp
Classification: Uncertain significance for Alpha thalassemia-X-linked intellectual disability syndrome. Last evaluated: 2023-01-03. Review status: criteria provided, single submitter. Criteria: Invitae Variant Classification Sherloc (09022015). Collection method: clinical testing. Allele origin: germline.
Comment: In summary, the available evidence is currently insufficient to determine the role of this variant in disease. Therefore, it has been classified as a Variant of Uncertain Significance. Advanced modeling of protein sequence and biophysical properties (such as structural, functional, and spatial information, amino acid conservation, physicochemical variation, residue mobility, and thermodynamic stability) performed at Invitae indicates that this missense variant is not expected to disrupt ATRX protein function. This variant has not been reported in the literature in individuals affected with ATRX-related conditions. This variant is not present in population databases (gnomAD no frequency). This sequence change replaces lysine, which is basic and polar, with asparagine, which is neutral and polar, at codon 430 of the ATRX protein (p.Lys430Asn).